The following is an entry in ClinVar:

ClinVar aggregate classification (germline): Uncertain significance (1 of 4 stars; one submission).

Submission:

Ambry Genetics
Classification: Uncertain significance. Last evaluated: 2022-06-12. Review status: criteria provided, single submitter. Criteria: Ambry Variant Classification Scheme 2023. Collection method: clinical testing. Allele origin: germline.
Comment: The p.A396V variant (also known as c.1187C>T), located in coding exon 3 of the ALPK2 gene, results from a C to T substitution at nucleotide position 1187. The alanine at codon 396 is replaced by valine, an amino acid with similar properties. This amino acid position is conserved. In addition, this alteration is predicted to be tolerated by in silico analysis. Since supporting evidence is limited at this time, the clinical significance of this alteration remains unclear.

NM_052947.4(ALPK2):c.1187C>T (p.Ala396Val)

Genes: ALPK2 (alpha kinase 2; minus strand), LOC114803473 (ALPK2 eExon liver enhancer; plus strand). Cytogenetic location: 18q21.31.
Variant type: single nucleotide variant.
Coding change: c.1187C>T on transcript NM_052947.4 (MANE Select); coding-DNA position 1187, C replaced by T.
Protein change: p.Ala396Val; replaces alanine 396 with valine.
Molecular consequence: missense variant.
Genome position (GRCh38, 1-based): chr18:58,579,589, G>A on the plus strand (C>T on the coding strand, the complement: ALPK2 is on the minus strand). VCF-style: chr18-58579589-G-A. GRCh37 (hg19) VCF-style: chr18-56246821-G-A.
Other names: short protein forms A396V.
Identifiers: ClinVar variation 1743738 (VCV001743738.2), dbSNP rs2518899340, ClinGen allele CA402564243.